The following is an entry in ClinVar:

ClinVar aggregate classification (germline): Likely pathogenic (1 of 4 stars; one submission).

Conditions:
Developmental and epileptic encephalopathy. Identifiers: MedGen C5779964, MONDO:0100620.

Submission:

Institute of Human Genetics, University of Leipzig Medical Center
Classification: Likely pathogenic for Early-infantile DEE. Last evaluated: 2020-07-15. Review status: criteria provided, single submitter. Criteria: ACMG Guidelines, 2015. Collection method: clinical testing. Allele origin: de novo. Affected: yes.
Comment: This variant was identified as de novo (maternity and paternity confirmed).

Literature cited by the submitters: PubMed 33299146.

NM_130811.4(SNAP25):c.114+2T>G

Gene: SNAP25 (synaptosome associated protein 25; plus strand). Cytogenetic location: 20p12.2.
Variant type: single nucleotide variant.
Coding change: c.114+2T>G on transcript NM_130811.4 (MANE Select); the canonical splice donor site of the intron after coding-DNA position 114, T replaced by G.
Molecular consequence: splice donor variant.
Genome position (GRCh38, 1-based): chr20:10,277,728, T>G. VCF-style: chr20-10277728-T-G. GRCh37 (hg19) VCF-style: chr20-10258376-T-G.
Other names: c.114+2T>G (NM_001322907.2, NM_001322910.2, NM_001322904.2 and 7 more transcripts).
Identifiers: ClinVar variation 1285528 (VCV001285528.2), dbSNP rs2123019421, ClinGen allele CA408265414.